The following is an entry in ClinVar:

ClinVar aggregate classification (germline): Uncertain significance (1 of 4 stars; one submission).

gnomAD v4.1: 3 of 1,613,074 alleles (0.00019%); highest among the groups gnomAD compares: Non-Finnish European, 0.00025%; no homozygotes.

Submission:

Labcorp Genetics (formerly Invitae), Labcorp
Classification: Uncertain significance. Last evaluated: 2022-08-31. Review status: criteria provided, single submitter. Criteria: Invitae Variant Classification Sherloc (09022015). Collection method: clinical testing. Allele origin: germline.
Comment: Algorithms developed to predict the effect of missense changes on protein structure and function are either unavailable or do not agree on the potential impact of this missense change (SIFT: "Tolerated"; PolyPhen-2: "Possibly Damaging"; Align-GVGD: "Class C0"). In summary, the available evidence is currently insufficient to determine the role of this variant in disease. Therefore, it has been classified as a Variant of Uncertain Significance. This variant has not been reported in the literature in individuals affected with MYSM1-related conditions. This variant is present in population databases (rs753911600, gnomAD 0.0009%). This sequence change replaces methionine, which is neutral and non-polar, with threonine, which is neutral and polar, at codon 761 of the MYSM1 protein (p.Met761Thr).

NM_001085487.3(MYSM1):c.2282T>C (p.Met761Thr)

Gene: MYSM1 (Myb like, SWIRM and MPN domains 1; minus strand). Cytogenetic location: 1p32.1.
Variant type: single nucleotide variant.
Coding change: c.2282T>C on transcript NM_001085487.3 (MANE Select); coding-DNA position 2282, T replaced by C.
Protein change: p.Met761Thr; replaces methionine 761 with threonine.
Molecular consequence: missense variant.
Genome position (GRCh38, 1-based): chr1:58,661,216, A>G on the plus strand (T>C on the coding strand, the complement: MYSM1 is on the minus strand). VCF-style: chr1-58661216-A-G. GRCh37 (hg19) VCF-style: chr1-59126888-A-G.
Other names: short protein forms M761T.
Identifiers: ClinVar variation 1964666 (VCV001964666.5), dbSNP rs753911600, ClinGen allele CA877558.